The following is an entry in ClinVar:

NM_015459.5(ATL3):c.493A>G (p.Met165Val)

Genes: ATL3 (atlastin GTPase 3; minus strand), LNCROPM (lncRNA regulator of PLAAT3 mediated phospholipid metabolism; plus strand). Cytogenetic location: 11q13.1.
Variant type: single nucleotide variant.
Coding change: c.493A>G on transcript NM_015459.5 (MANE Select); coding-DNA position 493, A replaced by G.
Protein change: p.Met165Val; replaces methionine 165 with valine.
Molecular consequence: missense variant.
Genome position (GRCh38, 1-based): chr11:63,652,488, T>C on the plus strand (A>G on the coding strand, the complement: ATL3 is on the minus strand). VCF-style: chr11-63652488-T-C. GRCh37 (hg19) VCF-style: chr11-63419960-T-C.
Other names: c.439A>G, p.Met147Val (NM_001290048.2); short protein forms M165V, M147V.
Identifiers: ClinVar variation 860253 (VCV000860253.12), dbSNP rs370695143, ClinGen allele CA223748153.
Genomic context (GRCh38, chr11:63,652,488, plus strand): 5'-TTATTTCCTTTGCGAGCTTTTTTCTGAGTCAAGTGGTTTTTACCTGAACAGAACTAGTCA[T>C]AGTGCTTAGAGCAAAGATGGTAGCACAGTCTTTCACAGTTGACTGGCTGTCAAATGCCCC-3'
Protein context (NP_056274.3, residues 155-175): DCATIFALST[Met165Val]TSSVQIYNLS

ClinVar aggregate classification (germline): Uncertain significance. Review status: criteria provided, multiple submitters, no conflicts (2 of 4 stars). 2 submissions from 2 submitters: Uncertain significance (2). Last evaluated 2025-04-13.

Conditions:
Neuropathy, hereditary sensory, type 1F. Also called: Hereditary sensory neuropathy type IF; HSN IF. Identifiers: Orphanet 36386, MedGen C3810194, MONDO:0014286, OMIM 615632.
Inborn genetic diseases. Identifiers: MedGen C0950123, MeSH D030342.

Allele frequency attached by ClinVar (database versions not stated): gnomAD 0.00002; gnomAD exomes 0.00002; ESP Exome Variant Server 0.00008; TOPMed 0.00001.

Submissions (2):

Ambry Genetics
Classification: Uncertain significance for Inborn genetic diseases. Last evaluated: 2025-04-13. Review status: criteria provided, single submitter. Criteria: Ambry Variant Classification Scheme 2023. Collection method: clinical testing. Allele origin: germline.

Labcorp Genetics (formerly Invitae), Labcorp
Classification: Uncertain significance for Neuropathy, hereditary sensory, type 1F. Last evaluated: 2022-05-12. Review status: criteria provided, single submitter. Criteria: Invitae Variant Classification Sherloc (09022015). Collection method: clinical testing. Allele origin: germline.
Comment: Algorithms developed to predict the effect of missense changes on protein structure and function are either unavailable or do not agree on the potential impact of this missense change (SIFT: "Deleterious"; PolyPhen-2: "Benign"; Align-GVGD: "Class C15"). ClinVar contains an entry for this variant (Variation ID: 860253). This variant has not been reported in the literature in individuals affected with ATL3-related conditions. This variant is present in population databases (rs370695143, gnomAD 0.004%). This sequence change replaces methionine, which is neutral and non-polar, with valine, which is neutral and non-polar, at codon 165 of the ATL3 protein (p.Met165Val). Algorithms developed to predict the effect of sequence changes on RNA splicing suggest that this variant may create or strengthen a splice site. In summary, the available evidence is currently insufficient to determine the role of this variant in disease. Therefore, it has been classified as a Variant of Uncertain Significance.